The following is an entry in ClinVar:

NM_006060.6(IKZF1):c.1408C>T (p.Leu470Phe)

Gene: IKZF1 (IKAROS family zinc finger 1; plus strand). Cytogenetic location: 7p12.2.
Variant type: single nucleotide variant.
Coding change: c.1408C>T on transcript NM_006060.6 (MANE Select); coding-DNA position 1408, C replaced by T.
Protein change: p.Leu470Phe; replaces leucine 470 with phenylalanine.
Molecular consequence: missense variant.
Genome position (GRCh38, 1-based): chr7:50,400,475, C>T. VCF-style: chr7-50400475-C-T. GRCh37 (hg19) VCF-style: chr7-50468173-C-T.
Other names: c.1282C>T, p.Leu428Phe (NM_001220765.3, NM_001291837.2); c.1117C>T, p.Leu373Phe (NM_001220767.2); c.1147C>T, p.Leu383Phe (NM_001220768.2, NM_001291838.2); c.991C>T, p.Leu331Phe (NM_001220770.2); c.979C>T, p.Leu327Phe (NM_001220771.2, NM_001291841.1); c.1021C>T, p.Leu341Phe (NM_001291839.2); c.718C>T, p.Leu240Phe (NM_001291840.1); c.949C>T, p.Leu317Phe (NM_001291842.1); and 3 more; short protein forms L240F, L341F, L373F, L490F, L275F, L285F, L327F, L331F.
Identifiers: ClinVar variation 3658729 (VCV003658729.2).

ClinVar aggregate classification (germline): Uncertain significance (1 of 4 stars; one submission).

gnomAD v4.1: 1 of 1,614,088 alleles (0.000062%); highest among the groups gnomAD compares: South Asian, 0.0011%; no homozygotes.

Submission:

Labcorp Genetics (formerly Invitae), Labcorp
Classification: Uncertain significance. Last evaluated: 2024-07-10. Review status: criteria provided, single submitter. Criteria: Invitae Variant Classification Sherloc (09022015). Collection method: clinical testing. Allele origin: germline.
Comment: This sequence change replaces leucine, which is neutral and non-polar, with phenylalanine, which is neutral and non-polar, at codon 470 of the IKZF1 protein (p.Leu470Phe). This variant is not present in population databases (gnomAD no frequency). This variant has not been reported in the literature in individuals affected with IKZF1-related conditions. An algorithm developed to predict the effect of missense changes on protein structure and function (PolyPhen-2) suggests that this variant is likely to be disruptive. In summary, the available evidence is currently insufficient to determine the role of this variant in disease. Therefore, it has been classified as a Variant of Uncertain Significance.